The following is an entry in ClinVar:

NM_003742.4(ABCB11):c.174C>T (p.Asp58=)

Gene: ABCB11 (ATP binding cassette subfamily B member 11; minus strand). Cytogenetic location: 2q31.1.
Variant type: single nucleotide variant.
Coding change: c.174C>T on transcript NM_003742.4 (MANE Select); coding-DNA position 174, C replaced by T.
Protein change: p.Asp58=; no amino-acid change (aspartic acid 58 retained).
Molecular consequence: synonymous variant.
Genome position (GRCh38, 1-based): chr2:169,013,487, G>A on the plus strand (C>T on the coding strand, the complement: ABCB11 is on the minus strand). VCF-style: chr2-169013487-G-A. GRCh37 (hg19) VCF-style: chr2-169869997-G-A.
Other names: c.174C>T, p.Asp58= (LRG_1199t1).
Identifiers: ClinVar variation 500111 (VCV000500111.19), dbSNP rs11568362, ClinGen allele CA1951945.

ClinVar aggregate classification (germline): Conflicting classifications of pathogenicity. Review status: criteria provided, conflicting classifications (1 of 4 stars). 5 submissions from 5 submitters: Uncertain significance (1); Benign (1); Likely benign (2). 1 of the submissions does not count toward it. Last evaluated 2026-04-14.

Conditions:
Progressive familial intrahepatic cholestasis type 2. Identifiers: Orphanet 79304, MedGen C3489789, MONDO:0011156, OMIM 601847.
Familial intrahepatic cholestasis. Identifiers: Orphanet 284385, MedGen CN296401, MONDO:0017290.

Allele frequency attached by ClinVar (database versions not stated): gnomAD exomes 0.00017; ExAC 0.00022; gnomAD 0.00080 and 0.00085; TOPMed 0.00091; ESP Exome Variant Server 0.00117; 1000 Genomes Project 0.00120; 1000 Genomes Project 30x 0.00125.
gnomAD v4.1: 239 of 1,613,364 alleles (0.015%); highest among the groups gnomAD compares: African/African-American, 0.25%; no homozygotes.

Submissions (5):

Genomenon, Inc
Classification: Likely benign for Familial intrahepatic cholestasis. Last evaluated: 2026-04-14. Review status: criteria provided, single submitter. Criteria: Genomenon Sequence Variant Interpretation Standards - Updated. Collection method: curation. Allele origin: germline. Affected: no.
Comment: ABCB11 c.174C>T is a synonymous variant that retains Aspartic acid at residue 58. This variant has been reported in the published literature (PMID:20010382;22795478). This synonymous variant is not predicted to impact splicing. This variant's allele frequency in gnomAD is greater than expected for this disorder. In conclusion, we classify ABCB11 p.Asp58= (c.174C>T) as a likely benign variant.

Labcorp Genetics (formerly Invitae), Labcorp
Classification: Benign. Last evaluated: 2026-02-02. Review status: criteria provided, single submitter. Criteria: Invitae Variant Classification Sherloc (09022015). Collection method: clinical testing. Allele origin: germline.

GeneDx
Classification: Likely benign. Last evaluated: 2020-04-28. Review status: criteria provided, single submitter. Criteria: GeneDx Variant Classification Process June 2021. Collection method: clinical testing. Allele origin: germline. Affected: yes.
Comment: This variant is associated with the following publications: (PMID: 22795478, 20010382)

Eurofins Ntd Llc (ga)
Classification: Uncertain significance. Last evaluated: 2018-03-23. Review status: criteria provided, single submitter. Criteria: EGL ClinVar v180209 classification definitions. Collection method: clinical testing. Allele origin: germline. Observed: 8 variant alleles, 8 heterozygotes.

Natera, Inc.
Classification: Likely benign for Progressive familial intrahepatic cholestasis type 2. Last evaluated: 2021-01-07. Review status: no assertion criteria provided. Collection method: clinical testing. Allele origin: germline. Not counted in ClinVar's aggregate classification.

Literature cited by the submitters: PubMed 20010382 (cited by Genomenon, Inc); PubMed 22795478 (cited by Genomenon, Inc).